The following is an entry in ClinVar:

ClinVar aggregate classification (germline): Benign (1 of 4 stars; one submission).

Conditions:
Pseudohypoparathyroidism type 1B (PHP1B). Also called: Pseudohypoparathyroidism Ib (PHP-Ib); Pseudohypoparathyroidism Type IB; PHP IB. Identifiers: Orphanet 94089, MedGen C1864100, MONDO:0011301, OMIM 603233.

Allele frequency attached by ClinVar (database versions not stated): 1000 Genomes Project 30x 0.00750; 1000 Genomes Project 0.00779; TOPMed 0.00914.

Submission:

Illumina Laboratory Services, Illumina
Classification: Benign for Pseudohypoparathyroidism type 1B. Last evaluated: 2018-01-13. Review status: criteria provided, single submitter. Criteria: ICSL Variant Classification Criteria 13 December 2019. Collection method: clinical testing. Allele origin: germline.
Comment: This variant was observed in the ICSL laboratory as part of a predisposition screen in an ostensibly healthy population. It had not been previously curated by ICSL or reported in the Human Gene Mutation Database (HGMD: prior to June 1st, 2018), and was therefore a candidate for classification through an automated scoring system. Utilizing variant allele frequency, disease prevalence and penetrance estimates, and inheritance mode, an automated score was calculated to assess if this variant is too frequent to cause the disease. Based on the score and internal cut-off values, a variant classified as benign is not then subjected to further curation. The score for this variant resulted in a classification of benign for this disease.

NM_001001433.3(STX16):c.*1747G>C

Genes: STX16 (syntaxin 16; plus strand), STX16-NPEPL1 (STX16-NPEPL1 readthrough (NMD candidate); plus strand). Cytogenetic location: 20q13.32.
Variant type: single nucleotide variant.
Coding change: c.*1747G>C on transcript NM_001001433.3 (MANE Select); 1747 bases downstream of the stop codon, G replaced by C.
Molecular consequence: 3 prime UTR variant. On other transcripts: non-coding transcript variant (3).
Genome position (GRCh38, 1-based): chr20:58,678,038, G>C. VCF-style: chr20-58678038-G-C. GRCh37 (hg19) VCF-style: chr20-57253094-G-C.
Other names: c.*1747G>C (NM_001134772.3, NM_001134773.3, NM_001204868.2 and 1 more transcripts).
Identifiers: ClinVar variation 896946 (VCV000896946.4), dbSNP rs140662326, ClinGen allele CA316313709.